The following is an entry in ClinVar:

ClinVar aggregate classification (germline): Benign (1 of 4 stars; one submission).

Conditions:
Leigh syndrome (NULS). Also called: Leigh's necrotizing encephalopathy; Leigh's disease; Leigh Syndrome (mtDNA deletion); Leigh Disease; Subacute necrotizing encephalopathy; Necrotizing encephalopathy infantile subacute of Leigh. Identifiers: Orphanet 506, MedGen C2931891, MONDO:0009723, OMIM 256000.

Submission:

Wong Mito Lab, Molecular and Human Genetics, Baylor College of Medicine
Classification: Benign for Leigh syndrome. Last evaluated: 2019-10-17. Review status: criteria provided, single submitter. Criteria: Modified ACMG Guidelines (Unpublished). Collection method: clinical testing. Allele origin: germline.
Comment: The NC_012920.1:m.3592G>A (YP_003024026.1:p.Val96Ile) variant in MTND1 gene is interpretated to be a Benign variant based on the modified ACMG guidelines (unpublished). This variant meets the following evidence codes: BS1, BS2, BP4

NC_012920.1(MT-ND1):m.3592G>A

Gene: MT-ND1 (mitochondrially encoded NADH dehydrogenase 1; plus strand).
Variant type: single nucleotide variant.
Genome position: chrM-3592-G-A.
Identifiers: ClinVar variation 692375 (VCV000692375.1), dbSNP rs1603219036, ClinGen allele CA414773100.
Genomic context (GRCh38, chrMT:3,592, plus strand): 5'-ACCTTAGCTCTCACCATCGCTCTTCTACTATGAACCCCCCTCCCCATACCCAACCCCCTG[G>A]TCAACCTCAACCTAGGCCTCCTATTTATTCTAGCCACCTCTAGCCTAGCCGTTTACTCAA-3'